The following is an entry in ClinVar:

NM_005502.4(ABCA1):c.6308+4C>T

Genes: ABCA1 (ATP binding cassette subfamily A member 1; minus strand), NIPSNAP3B (nipsnap homolog 3B; plus strand). Cytogenetic location: 9q31.1.
Variant type: single nucleotide variant.
Coding change: c.6308+4C>T on transcript NM_005502.4 (MANE Select); 4 bases into the intron after coding-DNA position 6308, C replaced by T.
Molecular consequence: intron variant.
Genome position (GRCh38, 1-based): chr9:104,786,869, G>A on the plus strand (C>T on the coding strand, the complement: ABCA1 is on the minus strand). VCF-style: chr9-104786869-G-A. GRCh37 (hg19) VCF-style: chr9-107549150-G-A.
Identifiers: ClinVar variation 912754 (VCV000912754.4), dbSNP rs113077827, ClinGen allele CA5167587.

ClinVar aggregate classification (germline): Conflicting classifications of pathogenicity. Review status: criteria provided, conflicting classifications (1 of 4 stars). 2 submissions from 1 submitter: Uncertain significance (1); Likely benign (1). Last evaluated 2018-01-12.

Conditions:
Tangier disease (TGD). Also called: HIGH DENSITY LIPOPROTEIN DEFICIENCY, TANGIER TYPE; HIGH DENSITY LIPOPROTEIN DEFICIENCY, TYPE 1; Cholesterol thesaurismosis. Identifiers: Orphanet 31150, MedGen C0039292, MONDO:0008783, OMIM 205400.
Hypoalphalipoproteinemia, primary, 1. Identifiers: Orphanet 425, MedGen C5231558, MONDO:0011393, OMIM 604091.

Allele frequency attached by ClinVar (database versions not stated): gnomAD 0.00001; gnomAD exomes 0.00001; ExAC 0.00002; TOPMed 0.00002.
gnomAD v4.1: 23 of 1,610,594 alleles (0.0014%); highest among the groups gnomAD compares: South Asian, 0.0033%; no homozygotes.

Submissions (2):

Illumina Laboratory Services, Illumina
Classification: Uncertain significance for Tangier disease. Last evaluated: 2018-01-12. Review status: criteria provided, single submitter. Criteria: ICSL Variant Classification Criteria 13 December 2019. Collection method: clinical testing. Allele origin: germline.

Illumina Laboratory Services, Illumina
Classification: Likely benign for Hypoalphalipoproteinemia, primary, 1. Last evaluated: 2018-01-12. Review status: criteria provided, single submitter. Criteria: ICSL Variant Classification Criteria 13 December 2019. Collection method: clinical testing. Allele origin: germline.
Comment: This variant was observed in the ICSL laboratory as part of a predisposition screen in an ostensibly healthy population. It had not been previously curated by ICSL or reported in the Human Gene Mutation Database (HGMD: prior to June 1st, 2018), and was therefore a candidate for classification through an automated scoring system. Utilizing variant allele frequency, disease prevalence and penetrance estimates, and inheritance mode, an automated score was calculated to assess if this variant is too frequent to cause the disease. Based on the score and internal cut-off values, a variant classified as likely benign is not then subjected to further curation. The score for this variant resulted in a classification of likely benign for this disease.